The following is an entry in ClinVar:

ClinVar aggregate classification (germline): Pathogenic (0 of 4 stars; one submission).

Conditions:
Wilms tumor 1 (WT1). Also called: Wilms tumor, somatic. Identifiers: Orphanet 654, MedGen CN033288, MONDO:0008679, OMIM 194070.

Submission:

Donald Williams Parsons Laboratory, Baylor College of Medicine
Classification: Pathogenic for Wilms tumor 1. Last evaluated: 2013-03-23. Review status: no assertion criteria provided. Collection method: research. Allele origin: somatic. Inheritance: Somatic mutation. Affected: yes. Observed: 1 variant allele, 1 mosaic individual. Study: CSER-BASIC3.
Comment: This frameshift variant is categorized as deleterious according to ACMG guidelines (PMID:18414213).

GERMLINE MOSAIC

Literature cited by the submitters: PubMed 26822237.

NM_024426.6(WT1):c.880_882del (p.Tyr294del)

Gene: WT1 (WT1 transcription factor; minus strand). Cytogenetic location: 11p13.
Variant type: Deletion.
Coding change: c.880_882del on transcript NM_024426.6 (MANE Select); coding-DNA positions 880 to 882, 3 bases deleted (TAC; older notation c.880_882delTAC).
Protein change: p.Tyr294del; deletes tyrosine 294.
Molecular consequence: inframe deletion. On other transcripts: inframe indel (10), non-coding transcript variant (1).
Genome position (GRCh38, 1-based): chr11:32,427,961-32,427,963, GTA deleted on the plus strand (TAC on the coding strand, the reverse complement: WT1 is on the minus strand); deleting any 3 consecutive bases within chr11:32,427,961-32,427,964 gives the same sequence; the c. name uses the placement nearest the transcript's 3' end. VCF-style (leftmost placement, unchanged base first): chr11-32427960-TGTA-T. GRCh37 (hg19) VCF-style: chr11-32449506-TGTA-T.
Other names: c.880_882del, p.Tyr294del (NM_000378.6, NM_024424.5); c.228_230delCTA, p.Tyr77del (NM_001198551.2); c.229_231del, p.Tyr77del (NM_001198552.2); c.879_881delCTA, p.Tyr294del (NM_001407044.1, NM_001407045.1, NM_001407046.1 and 2 more transcripts); c.756_758delCTA, p.Tyr253del (NM_001407047.1, NM_001407050.1); c.117_119delCTA, p.Tyr40del (NM_001407051.1); c.864_866delCTA, p.Tyr289del (NM_024425.2); short protein forms Y77del, Y294del, Y40del, Y253del.
Identifiers: ClinVar variation 438757 (VCV000438757.3), dbSNP rs1554945033, ClinGen allele CA645509449.